The following is an entry in ClinVar:

NM_001103.4(ACTN2):c.1406+11A>G

Gene: ACTN2 (actinin alpha 2; plus strand). Cytogenetic location: 1q43.
Variant type: single nucleotide variant.
Coding change: c.1406+11A>G on transcript NM_001103.4 (MANE Select); 11 bases into the intron after coding-DNA position 1406, A replaced by G.
Molecular consequence: intron variant.
Genome position (GRCh38, 1-based): chr1:236,744,787, A>G. VCF-style: chr1-236744787-A-G. GRCh37 (hg19) VCF-style: chr1-236908087-A-G.
Other names: c.782+11A>G (NM_001278344.2); c.1406+11A>G (NM_001278343.2).
Identifiers: ClinVar variation 1498404 (VCV001498404.8), dbSNP rs2102930160, ClinGen allele CA2573132064.
Genomic context (GRCh38, chr1:236,744,787, plus strand): 5'-GCGCACCAGGACCGCGTGGAGCAGATCGCAGCCATCGCGCAGGAGCTCAAGTATGTGCAG[A>G]TGCCCTCCGTCCTCCCGGGAGCCCCTGGGATTCCACAGAGAGGGGAGAGAAAGGCCTGCC-3'

ClinVar aggregate classification (germline): Uncertain significance (1 of 4 stars; one submission).

Conditions:
Primary familial hypertrophic cardiomyopathy (HCM). Identifiers: Orphanet 99739, MedGen C0949658, MeSH D024741, MONDO:0024573. Inheritance: Various modes of inheritance.
Dilated cardiomyopathy 1AA (CMD1AA). Also called: Cardiomyopathy, dilated, 1AA, with or without LVNC; CARDIOMYOPATHY, DILATED, 1AA, WITH OR WITHOUT LEFT VENTRICULAR NONCOMPACTION; CARDIOMYOPATHY, FAMILIAL HYPERTROPHIC, 23, WITH OR WITHOUT LEFT VENTRICULAR NONCOMPACTION. Identifiers: Orphanet 154, MedGen C2677338, MONDO:0012808, OMIM 612158.

Submission:

Labcorp Genetics (formerly Invitae), Labcorp
Classification: Uncertain significance for Primary familial hypertrophic cardiomyopathy; Dilated cardiomyopathy 1AA. Last evaluated: 2024-05-01. Review status: criteria provided, single submitter. Criteria: Invitae Variant Classification Sherloc (09022015). Collection method: clinical testing. Allele origin: germline.
Comment: This sequence change falls in intron 12 of the ACTN2 gene. It does not directly change the encoded amino acid sequence of the ACTN2 protein. This variant is not present in population databases (gnomAD no frequency). This variant has not been reported in the literature in individuals affected with ACTN2-related conditions. ClinVar contains an entry for this variant (Variation ID: 1498404). Algorithms developed to predict the effect of sequence changes on RNA splicing suggest that this variant may create or strengthen a splice site. In summary, the available evidence is currently insufficient to determine the role of this variant in disease. Therefore, it has been classified as a Variant of Uncertain Significance.